The following is an entry in ClinVar:

NM_004655.4(AXIN2):c.1838G>A (p.Gly613Glu)

Gene: AXIN2 (axin 2; minus strand). Cytogenetic location: 17q24.1.
Variant type: single nucleotide variant.
Coding change: c.1838G>A on transcript NM_004655.4 (MANE Select); coding-DNA position 1838, G replaced by A.
Protein change: p.Gly613Glu; replaces glycine 613 with glutamic acid.
Molecular consequence: missense variant. On other transcripts: intron variant (1).
Genome position (GRCh38, 1-based): chr17:65,536,938, C>T on the plus strand (G>A on the coding strand, the complement: AXIN2 is on the minus strand). VCF-style: chr17-65536938-C-T. GRCh37 (hg19) VCF-style: chr17-63533056-C-T.
Other names: c.1713-385G>A (NM_001363813.1); short protein forms G613E.
Identifiers: ClinVar variation 1718355 (VCV001718355.8), dbSNP rs2509407371, ClinGen allele CA400676525.

ClinVar aggregate classification (germline): Uncertain significance. Review status: criteria provided, multiple submitters, no conflicts (2 of 4 stars). 2 submissions from 2 submitters: Uncertain significance (2). Last evaluated 2022-09-25.

Conditions:
Hereditary cancer-predisposing syndrome. Also called: Hereditary neoplastic syndrome; Neoplastic Syndromes, Hereditary; Hereditary Cancer Syndrome; Tumor predisposition. Identifiers: Orphanet 140162, MedGen C0027672, MeSH D009386, MONDO:0015356.
Oligodontia-cancer predisposition syndrome. Also called: TOOTH AGENESIS-COLORECTAL CANCER SYNDROME. Identifiers: Orphanet 300576, MedGen C1837750, MONDO:0012075, OMIM 608615. Disease mechanism: loss of function.

Submissions (2):

Ambry Genetics
Classification: Uncertain significance for Hereditary cancer-predisposing syndrome. Last evaluated: 2022-09-25. Review status: criteria provided, single submitter. Criteria: Ambry Variant Classification Scheme 2023. Collection method: clinical testing. Allele origin: germline.
Comment: The p.G613E variant (also known as c.1838G>A), located in coding exon 6 of the AXIN2 gene, results from a G to A substitution at nucleotide position 1838. The glycine at codon 613 is replaced by glutamic acid, an amino acid with similar properties. This amino acid position is conserved. In addition, this alteration is predicted to be tolerated by in silico analysis. Since supporting evidence is limited at this time, the clinical significance of this alteration remains unclear.

Labcorp Genetics (formerly Invitae), Labcorp
Classification: Uncertain significance for Oligodontia-cancer predisposition syndrome. Last evaluated: 2022-08-30. Review status: criteria provided, single submitter. Criteria: Invitae Variant Classification Sherloc (09022015). Collection method: clinical testing. Allele origin: germline.
Comment: This sequence change replaces glycine, which is neutral and non-polar, with glutamic acid, which is acidic and polar, at codon 613 of the AXIN2 protein (p.Gly613Glu). This variant is not present in population databases (gnomAD no frequency). In summary, the available evidence is currently insufficient to determine the role of this variant in disease. Therefore, it has been classified as a Variant of Uncertain Significance. Algorithms developed to predict the effect of sequence changes on RNA splicing suggest that this variant may create or strengthen a splice site. Algorithms developed to predict the effect of missense changes on protein structure and function are either unavailable or do not agree on the potential impact of this missense change (SIFT: "Tolerated"; PolyPhen-2: "Possibly Damaging"; Align-GVGD: "Class C0"). This variant has not been reported in the literature in individuals affected with AXIN2-related conditions.